The following is an entry in ClinVar:

NM_001486.4(GCKR):c.1828C>T (p.Gln610Ter)

Gene: GCKR (glucokinase regulator; plus strand). Cytogenetic location: 2p23.3.
Variant type: single nucleotide variant.
Coding change: c.1828C>T on transcript NM_001486.4 (MANE Select); coding-DNA position 1828, C replaced by T.
Protein change: p.Gln610Ter; replaces glutamine 610 with a stop codon.
Molecular consequence: nonsense.
Genome position (GRCh38, 1-based): chr2:27,523,389, C>T. VCF-style: chr2-27523389-C-T. GRCh37 (hg19) VCF-style: chr2-27746256-C-T.
Other names: c.1828C>T (NM_001486.3); short protein forms Q610*.
Identifiers: ClinVar variation 4748487 (VCV004748487.2).

ClinVar aggregate classification (germline): Uncertain significance. Review status: criteria provided, multiple submitters, no conflicts (2 of 4 stars). 2 submissions from 2 submitters: Uncertain significance (2). Last evaluated 2026-03-03.

gnomAD v4.1: 69 of 1,611,640 alleles (0.0043%); highest among the groups gnomAD compares: Non-Finnish European, 0.0058%; no homozygotes.

Submissions (2):

GeneDx
Classification: Uncertain significance. Last evaluated: 2026-03-03. Review status: criteria provided, single submitter. Criteria: GeneDx Variant Classification Process June 2021. Collection method: clinical testing. Allele origin: germline.
Comment: Identified in a cohort of patients with suspected dyslipidemia in the published literature; however, detailed clinical information was not provided (PMID: 36325899); Nonsense variant predicted to result in protein truncation as the last 16 amino acids are lost; Not observed at significant frequency in large population cohorts (gnomAD); This variant is associated with the following publications: (PMID: 36325899)

Labcorp Genetics (formerly Invitae), Labcorp
Classification: Uncertain significance. Last evaluated: 2025-05-27. Review status: criteria provided, single submitter. Criteria: Invitae Variant Classification Sherloc (09022015). Collection method: clinical testing. Allele origin: germline.
Comment: This sequence change creates a premature translational stop signal (p.Gln610*) in the GCKR gene. While this is not anticipated to result in nonsense mediated decay, it is expected to disrupt the last 16 amino acid(s) of the GCKR protein. This variant is present in population databases (rs755683893, gnomAD 0.003%). This premature translational stop signal has been observed in individual(s) with 36325899 (GCKR-related conditions). Experimental studies and prediction algorithms are not available or were not evaluated, and the functional significance of this variant is currently unknown. In summary, the available evidence is currently insufficient to determine the role of this variant in disease. Therefore, it has been classified as a Variant of Uncertain Significance.